The following is an entry in ClinVar:

NM_005787.6(ALG3):c.54G>A (p.Glu18=)

Gene: ALG3 (ALG3 alpha-1,3- mannosyltransferase; minus strand). Cytogenetic location: 3q27.1.
Variant type: single nucleotide variant.
Coding change: c.54G>A on transcript NM_005787.6 (MANE Select); coding-DNA position 54, G replaced by A.
Protein change: p.Glu18=; no amino-acid change (glutamic acid 18 retained).
Molecular consequence: synonymous variant. On other transcripts: non-coding transcript variant (2), intron variant (1).
Genome position (GRCh38, 1-based): chr3:184,248,887, C>T on the plus strand (G>A on the coding strand, the complement: ALG3 is on the minus strand). VCF-style: chr3-184248887-C-T. GRCh37 (hg19) VCF-style: chr3-183966675-C-T.
Other names: c.-15G>A (NM_001006942.1); c.52+339G>A (NM_001006941.2).
Identifiers: ClinVar variation 3046668 (VCV003046668.2), dbSNP rs774989694, ClinGen allele CA2729662.

ClinVar aggregate classification (germline): Likely benign (0 of 4 stars; one submission).

Conditions:
ALG3-related disorder. Also called: ALG3-related condition.

Allele frequency attached by ClinVar (database versions not stated): gnomAD exomes below 0.00001; ExAC 0.00001.

Submission:

PreventionGenetics, part of Exact Sciences
Classification: Likely benign for ALG3-related condition. Last evaluated: 2020-03-23. Review status: no assertion criteria provided. Collection method: clinical testing. Allele origin: germline.
Comment: This variant is classified as likely benign based on ACMG/AMP sequence variant interpretation guidelines (Richards et al. 2015 PMID: 25741868, with internal and published modifications).